The following is an entry in ClinVar:

NM_001244008.2(KIF1A):c.1145T>G (p.Leu382Arg)

Gene: KIF1A (kinesin family member 1A; minus strand). Cytogenetic location: 2q37.3.
Variant type: single nucleotide variant.
Coding change: c.1145T>G on transcript NM_001244008.2 (MANE Select); coding-DNA position 1145, T replaced by G.
Protein change: p.Leu382Arg; replaces leucine 382 with arginine.
Molecular consequence: missense variant.
Genome position (GRCh38, 1-based): chr2:240,773,149, A>C on the plus strand (T>G on the coding strand, the complement: KIF1A is on the minus strand). VCF-style: chr2-240773149-A-C. GRCh37 (hg19) VCF-style: chr2-241712566-A-C.
Other names: c.1145T>G, p.Leu382Arg (NM_001320705.2, NM_001330289.2, NM_001330290.2 and 20 more transcripts); short protein forms L382R.
Identifiers: ClinVar variation 1021809 (VCV001021809.9), dbSNP rs2052242225, ClinGen allele CA351295140.

ClinVar aggregate classification (germline): Uncertain significance (1 of 4 stars; one submission).

Conditions:
Neuropathy, hereditary sensory, type 2C. Also called: Hereditary sensory and autonomic neuropathy type IIC; KIF1A-Related HSAN2 (HSAN2C). Identifiers: Orphanet 970, MedGen C3280168, MONDO:0013634, OMIM 614213.
Intellectual disability, autosomal dominant 9 (NESCAVS). Also called: KIF1A-Related Neurodevelopmental Disorder; NESCAV SYNDROME. Identifiers: Orphanet 662367, MedGen C5393830, MONDO:0013656, OMIM 614255.
Hereditary spastic paraplegia 30. Identifiers: Orphanet 101010, MedGen C5235139, MONDO:0012476.

Submission:

Labcorp Genetics (formerly Invitae), Labcorp
Classification: Uncertain significance for Hereditary spastic paraplegia 30; Neuropathy, hereditary sensory, type 2C; Intellectual disability, autosomal dominant 9. Last evaluated: 2020-09-21. Review status: criteria provided, single submitter. Criteria: Invitae Variant Classification Sherloc (09022015). Collection method: clinical testing. Allele origin: germline.
Comment: This sequence change replaces leucine with arginine at codon 382 of the KIF1A protein (p.Leu382Arg). The leucine residue is highly conserved and there is a moderate physicochemical difference between leucine and arginine. In summary, the available evidence is currently insufficient to determine the role of this variant in disease. Therefore, it has been classified as a Variant of Uncertain Significance. Algorithms developed to predict the effect of missense changes on protein structure and function (SIFT, PolyPhen-2, Align-GVGD) all suggest that this variant is likely to be disruptive, but these predictions have not been confirmed by published functional studies and their clinical significance is uncertain. This variant has not been reported in the literature in individuals with KIF1A-related conditions. This variant is not present in population databases (ExAC no frequency).